The following is an entry in ClinVar:

NM_017909.4(RMND1):c.430G>T (p.Val144Leu)

Gene: RMND1 (required for meiotic nuclear division 1 homolog; minus strand). Cytogenetic location: 6q25.1.
Variant type: single nucleotide variant.
Coding change: c.430G>T on transcript NM_017909.4 (MANE Select); coding-DNA position 430, G replaced by T.
Protein change: p.Val144Leu; replaces valine 144 with leucine.
Molecular consequence: missense variant. On other transcripts: intron variant (1).
Genome position (GRCh38, 1-based): chr6:151,445,382, C>A on the plus strand (G>T on the coding strand, the complement: RMND1 is on the minus strand). VCF-style: chr6-151445382-C-A. GRCh37 (hg19) VCF-style: chr6-151766517-C-A.
Other names: c.-7+6634G>T (NM_001271937.2); short protein forms V144L.
Identifiers: ClinVar variation 2058690 (VCV002058690.4), dbSNP rs752907662, ClinGen allele CA4051043.
Genomic context (GRCh38, chr6:151,445,382, plus strand): 5'-GAACTGGAAGGTTGGTCCTGGATGGCTGTCTGGTCCTGGATGCTTTTAGTGGTCTCTTCA[C>A]CTGTGGGAAGTCTTGTTTTGGAACAAATGTTTCCGTTGATACAGATGAGAAATGCCTCTT-3'
Protein context (NP_060379.2, residues 134-154): TFVPKQDFPQ[Val144Leu]KRPLKASRTR

ClinVar aggregate classification (germline): Uncertain significance (1 of 4 stars; one submission).

Allele frequency attached by ClinVar (database versions not stated): ExAC 0.00001; gnomAD exomes 0.00001.
gnomAD v4.1: 3 of 1,613,958 alleles (0.00019%); highest among the groups gnomAD compares: Non-Finnish European, 0.00025%; no homozygotes.

Submission:

Labcorp Genetics (formerly Invitae), Labcorp
Classification: Uncertain significance. Last evaluated: 2025-10-13. Review status: criteria provided, single submitter. Criteria: Invitae Variant Classification Sherloc (09022015). Collection method: clinical testing. Allele origin: germline.
Comment: This sequence change replaces valine, which is neutral and non-polar, with leucine, which is neutral and non-polar, at codon 144 of the RMND1 protein (p.Val144Leu). This variant is present in population databases (rs752907662, gnomAD 0.0009%). This variant has not been reported in the literature in individuals affected with RMND1-related conditions. ClinVar contains an entry for this variant (Variation ID: 2058690). Invitae Evidence Modeling of protein sequence and biophysical properties (such as structural, functional, and spatial information, amino acid conservation, physicochemical variation, residue mobility, and thermodynamic stability) indicates that this missense variant is not expected to disrupt RMND1 protein function with a negative predictive value of 80%. In summary, the available evidence is currently insufficient to determine the role of this variant in disease. Therefore, it has been classified as a Variant of Uncertain Significance.